The following is an entry in ClinVar:

ClinVar aggregate classification (germline): Uncertain significance. Review status: criteria provided, multiple submitters, no conflicts (2 of 4 stars). 2 submissions from 2 submitters: Uncertain significance (2). Last evaluated 2021-08-16.

Conditions:
Inborn genetic diseases. Identifiers: MedGen C0950123, MeSH D030342.
Spondyloepiphyseal dysplasia with congenital joint dislocations (SEDCJD). Also called: Chondrodysplasia with Congenital Joint Dislocations, CHST3-Related. Identifiers: Orphanet 263463, MedGen C1837657, MONDO:0007738, OMIM 143095.

Allele frequency attached by ClinVar (database versions not stated): gnomAD exomes below 0.00001 and 0.00001; ExAC 0.00001; gnomAD 0.00001.
gnomAD v4.1: 5 of 1,608,058 alleles (0.00031%); highest among the groups gnomAD compares: South Asian, 0.0033%; no homozygotes.

Submissions (2):

Ambry Genetics
Classification: Uncertain significance for Inborn genetic diseases. Last evaluated: 2021-08-16. Review status: criteria provided, single submitter. Criteria: Ambry Variant Classification Scheme 2023. Collection method: clinical testing. Allele origin: germline.

Labcorp Genetics (formerly Invitae), Labcorp
Classification: Uncertain significance for Spondyloepiphyseal dysplasia with congenital joint dislocations. Last evaluated: 2020-12-28. Review status: criteria provided, single submitter. Criteria: Invitae Variant Classification Sherloc (09022015). Collection method: clinical testing. Allele origin: germline.
Comment: In summary, the available evidence is currently insufficient to determine the role of this variant in disease. Therefore, it has been classified as a Variant of Uncertain Significance. Algorithms developed to predict the effect of missense changes on protein structure and function are either unavailable or do not agree on the potential impact of this missense change (SIFT: "Tolerated"; PolyPhen-2: "Possibly Damaging"; Align-GVGD: "Class C0"). This variant has not been reported in the literature in individuals with CHST3-related conditions. This variant is present in population databases (rs745523940, ExAC 0.006%). This sequence change replaces alanine with threonine at codon 182 of the CHST3 protein (p.Ala182Thr). The alanine residue is moderately conserved and there is a small physicochemical difference between alanine and threonine.

NM_004273.5(CHST3):c.544G>A (p.Ala182Thr)

Gene: CHST3 (carbohydrate sulfotransferase 3; plus strand). Cytogenetic location: 10q22.1.
Variant type: single nucleotide variant.
Coding change: c.544G>A on transcript NM_004273.5 (MANE Select); coding-DNA position 544, G replaced by A.
Protein change: p.Ala182Thr; replaces alanine 182 with threonine.
Molecular consequence: missense variant.
Genome position (GRCh38, 1-based): chr10:72,007,575, G>A. VCF-style: chr10-72007575-G-A. GRCh37 (hg19) VCF-style: chr10-73767333-G-A.
Other names: c.544G>A (NM_004273.4); short protein forms A182T.
Identifiers: ClinVar variation 1419976 (VCV001419976.9), dbSNP rs745523940, ClinGen allele CA5548122.